The following is an entry in ClinVar:

NM_001205293.3(CACNA1E):c.196A>T (p.Asn66Tyr)

Gene: CACNA1E (calcium voltage-gated channel subunit alpha1 E; plus strand). Cytogenetic location: 1q25.3.
Variant type: single nucleotide variant.
Coding change: c.196A>T on transcript NM_001205293.3 (MANE Select); coding-DNA position 196, A replaced by T.
Protein change: p.Asn66Tyr; replaces asparagine 66 with tyrosine.
Molecular consequence: missense variant.
Genome position (GRCh38, 1-based): chr1:181,483,940, A>T. VCF-style: chr1-181483940-A-T. GRCh37 (hg19) VCF-style: chr1-181453076-A-T.
Other names: c.196A>T, p.Asn66Tyr (NM_000721.4, NM_001205294.2); short protein forms N66Y.
Identifiers: ClinVar variation 1721178 (VCV001721178.5), dbSNP rs1429687440, ClinGen allele CA343844546.
Genomic context (GRCh38, chr1:181,483,940, plus strand): 5'-AGGGCGCGGACTATGGCTTTGTACAACCCCATTCCCGTCCGGCAGAACTGTTTCACCGTC[A>T]ACAGATCCCTGTTCATCTTCGGAGAAGATAACATTGTCAGGAAATATGCCAAGAAGCTCA-3'
Protein context (NP_001192222.1, residues 56-76): IPVRQNCFTV[Asn66Tyr]RSLFIFGEDN

ClinVar aggregate classification (germline): Uncertain significance (1 of 4 stars; one submission).

Submission:

Labcorp Genetics (formerly Invitae), Labcorp
Classification: Uncertain significance. Last evaluated: 2024-02-17. Review status: criteria provided, single submitter. Criteria: Invitae Variant Classification Sherloc (09022015). Collection method: clinical testing. Allele origin: germline.
Comment: This sequence change replaces asparagine, which is neutral and polar, with tyrosine, which is neutral and polar, at codon 66 of the CACNA1E protein (p.Asn66Tyr). This variant is not present in population databases (gnomAD no frequency). This variant has not been reported in the literature in individuals affected with CACNA1E-related conditions. ClinVar contains an entry for this variant (Variation ID: 1721178). Advanced modeling of protein sequence and biophysical properties (such as structural, functional, and spatial information, amino acid conservation, physicochemical variation, residue mobility, and thermodynamic stability) has been performed at Invitae for this missense variant, however the output from this modeling did not meet the statistical confidence thresholds required to predict the impact of this variant on CACNA1E protein function. In summary, the available evidence is currently insufficient to determine the role of this variant in disease. Therefore, it has been classified as a Variant of Uncertain Significance.